The following is an entry in ClinVar:

NM_001401501.2(MUC16):c.486G>T (p.Met162Ile)

Gene: MUC16 (mucin 16, cell surface associated; minus strand). Cytogenetic location: 19p13.2.
Variant type: single nucleotide variant.
Coding change: c.486G>T on transcript NM_001401501.2 (MANE Select); coding-DNA position 486, G replaced by T.
Protein change: p.Met162Ile; replaces methionine 162 with isoleucine.
Molecular consequence: missense variant.
Genome position (GRCh38, 1-based): chr19:8,980,773, C>A on the plus strand (G>T on the coding strand, the complement: MUC16 is on the minus strand). VCF-style: chr19-8980773-C-A. GRCh37 (hg19) VCF-style: chr19-9091449-C-A.
Other names: c.912G>T, p.Met304Ile (NM_001414686.1); c.366G>T, p.Met122Ile (NM_001414687.1, NM_024690.2); short protein forms M122I, M162I, M304I.
Identifiers: ClinVar variation 2649274 (VCV002649274.25), dbSNP rs149255523, ClinGen allele CA9173615.

ClinVar aggregate classification (germline): Likely benign. Review status: criteria provided, single submitter (1 of 4 stars). 2 submissions from 2 submitters: Likely benign (1). 1 of the submissions does not count toward it. Last evaluated 2023-02-01.

Conditions:
MUC16-related disorder. Also called: MUC16-related condition.

Allele frequency attached by ClinVar (database versions not stated): 1000 Genomes Project 0.00140; 1000 Genomes Project 30x 0.00141; TOPMed 0.00389; gnomAD 0.00407; ExAC 0.00484; ESP Exome Variant Server 0.00532.

Submissions (2):

CeGaT Center for Human Genetics Tuebingen
Classification: Likely benign. Last evaluated: 2023-02-01. Review status: criteria provided, single submitter. Criteria: CeGaT Center For Human Genetics Tuebingen Variant Classification Criteria Version 2. Collection method: clinical testing. Allele origin: germline. Affected: yes. Observed: 1 variant allele.
Comment: MUC16: BP4, BS2

PreventionGenetics, part of Exact Sciences
Classification: Likely benign for MUC16-related condition. Last evaluated: 2019-04-29. Review status: no assertion criteria provided. Collection method: clinical testing. Allele origin: germline. Not counted in ClinVar's aggregate classification.
Comment: This variant is classified as likely benign based on ACMG/AMP sequence variant interpretation guidelines (Richards et al. 2015 PMID: 25741868, with internal and published modifications).